The following is an entry in ClinVar:

ClinVar aggregate classification (germline): Uncertain significance. Review status: criteria provided, multiple submitters, no conflicts (2 of 4 stars). 2 submissions from 2 submitters: Uncertain significance (2). Last evaluated 2025-08-14.

Conditions:
Inborn genetic diseases. Identifiers: MedGen C0950123, MeSH D030342.

Allele frequency attached by ClinVar (database versions not stated): ExAC 0.00001; gnomAD exomes 0.00001; TOPMed 0.00003; ESP Exome Variant Server 0.00009.
gnomAD v4.1: 10 of 1,595,632 alleles (0.00063%); highest among the groups gnomAD compares: East Asian, 0.0022%; no homozygotes.

Submissions (2):

Ambry Genetics
Classification: Uncertain significance for Inborn genetic diseases. Last evaluated: 2025-08-14. Review status: criteria provided, single submitter. Criteria: Ambry Variant Classification Scheme 2023. Collection method: clinical testing. Allele origin: germline.

Labcorp Genetics (formerly Invitae), Labcorp
Classification: Uncertain significance. Last evaluated: 2022-08-01. Review status: criteria provided, single submitter. Criteria: Invitae Variant Classification Sherloc (09022015). Collection method: clinical testing. Allele origin: germline.
Comment: This sequence change replaces methionine, which is neutral and non-polar, with valine, which is neutral and non-polar, at codon 5019 of the PCLO protein (p.Met5019Val). This variant is present in population databases (rs374774876, gnomAD 0.0009%). This variant has not been reported in the literature in individuals affected with PCLO-related conditions. ClinVar contains an entry for this variant (Variation ID: 1450673). Algorithms developed to predict the effect of missense changes on protein structure and function are either unavailable or do not agree on the potential impact of this missense change (SIFT: "Tolerated"; PolyPhen-2: "Not Available"; Align-GVGD: "Class C0"). In summary, the available evidence is currently insufficient to determine the role of this variant in disease. Therefore, it has been classified as a Variant of Uncertain Significance.

NM_033026.6(PCLO):c.15055A>G (p.Met5019Val)

Gene: PCLO (piccolo presynaptic cytomatrix protein; minus strand). Cytogenetic location: 7q21.11.
Variant type: single nucleotide variant.
Coding change: c.15055A>G on transcript NM_033026.6 (MANE Select); coding-DNA position 15055, A replaced by G.
Protein change: p.Met5019Val; replaces methionine 5019 with valine.
Molecular consequence: missense variant.
Genome position (GRCh38, 1-based): chr7:82,761,446, T>C on the plus strand (A>G on the coding strand, the complement: PCLO is on the minus strand). VCF-style: chr7-82761446-T-C. GRCh37 (hg19) VCF-style: chr7-82390762-T-C.
Other names: c.15055A>G (NM_033026.5); short protein forms M5019V.
Identifiers: ClinVar variation 1450673 (VCV001450673.5), dbSNP rs374774876, ClinGen allele CA4318629.